The following is an entry in ClinVar:

ClinVar aggregate classification (germline): Likely pathogenic (1 of 4 stars; one submission).

Submission:

GeneDx
Classification: Likely pathogenic. Last evaluated: 2024-10-18. Review status: criteria provided, single submitter. Criteria: GeneDx Variant Classification Process June 2021. Collection method: clinical testing. Allele origin: germline. Affected: yes.
Comment: Not observed at significant frequency in large population cohorts (gnomAD); In-frame deletion of 2 of amino acidsin a non-repeat region predicted to critically alter the protein; In silico analysis indicates that this variant does not alter protein structure/function; This variant is associated with the following publications: (PMID: RaiArticle[2024])

NM_001009944.3(PKD1):c.2084_2089del (p.Pro695_Ala696del)

Gene: PKD1 (polycystin 1, transient receptor potential channel interacting; minus strand). Cytogenetic location: 16p13.3.
Variant type: Deletion.
Coding change: c.2084_2089del on transcript NM_001009944.3 (MANE Select); coding-DNA positions 2084 to 2089, 6 bases deleted (CCGCGC; older notation c.2084_2089delCCGCGC).
Protein change: p.Pro695_Ala696del.
Molecular consequence: inframe deletion. On other transcripts: inframe indel (1).
Genome position (GRCh38, 1-based): chr16:2,115,386-2,115,391, GCGCGG deleted on the plus strand (CCGCGC on the coding strand, the reverse complement: PKD1 is on the minus strand); deleting any 6 consecutive bases within chr16:2,115,386-2,115,392 gives the same sequence; the c. name uses the placement nearest the transcript's 3' end. VCF-style (leftmost placement, unchanged base first): chr16-2115385-TGCGCGG-T. GRCh37 (hg19) VCF-style: chr16-2165386-TGCGCGG-T.
Other names: c.2084_2089del, p.Pro695_Ala696del (NM_000296.4); c.2083_2088delCCCGCG, p.Pro695_Ala696del (NM_001009944.2).
Identifiers: ClinVar variation 4278634 (VCV004278634.1).